The following is an entry in ClinVar:

NM_000135.4(FANCA):c.1626+6G>A

Gene: FANCA (FA complementation group A; minus strand). Cytogenetic location: 16q24.3.
Variant type: single nucleotide variant.
Coding change: c.1626+6G>A on transcript NM_000135.4 (MANE Select); 6 bases into the intron after coding-DNA position 1626, G replaced by A.
Molecular consequence: intron variant.
Genome position (GRCh38, 1-based): chr16:89,782,853, C>T on the plus strand (G>A on the coding strand, the complement: FANCA is on the minus strand). VCF-style: chr16-89782853-C-T. GRCh37 (hg19) VCF-style: chr16-89849261-C-T.
Other names: c.1626+6G>A (NM_001286167.3).
Identifiers: ClinVar variation 2155304 (VCV002155304.2), dbSNP rs772483334, ClinGen allele CA8252226.
Genomic context (GRCh38, chr16:89,782,853, plus strand): 5'-AAGAAACTGGACCTTTGCATGGTGGGCGTGACTGGCTGAGACCCTGCAGGGCTCAAGCAA[C>T]ATTACCTCAGTAATGTCCCCAGCTGATGACAAATCCTCGTAGAGTCCCATGTTTTCTATA-3'

ClinVar aggregate classification (germline): Uncertain significance (1 of 4 stars; one submission).

Conditions:
Fanconi anemia (FA). Also called: Fanconi's anemia. Identifiers: Orphanet 84, MedGen C0015625, MeSH D005199, MONDO:0019391.

Allele frequency attached by ClinVar (database versions not stated): gnomAD 0.00001; TOPMed 0.00001; ExAC 0.00002.
gnomAD v4.1: 10 of 1,613,450 alleles (0.00062%); highest among the groups gnomAD compares: African/African-American, 0.0013%; no homozygotes.

Submission:

Labcorp Genetics (formerly Invitae), Labcorp
Classification: Uncertain significance for Fanconi anemia. Last evaluated: 2024-11-04. Review status: criteria provided, single submitter. Criteria: Invitae Variant Classification Sherloc (09022015). Collection method: clinical testing. Allele origin: germline.
Comment: This sequence change falls in intron 17 of the FANCA gene. It does not directly change the encoded amino acid sequence of the FANCA protein. It affects a nucleotide within the consensus splice site. This variant is present in population databases (rs772483334, gnomAD 0.004%). This variant has not been reported in the literature in individuals affected with FANCA-related conditions. ClinVar contains an entry for this variant (Variation ID: 2155304). Variants that disrupt the consensus splice site are a relatively common cause of aberrant splicing (PMID: 17576681, 9536098). Algorithms developed to predict the effect of sequence changes on RNA splicing suggest that this variant is not likely to affect RNA splicing. In summary, the available evidence is currently insufficient to determine the role of this variant in disease. Therefore, it has been classified as a Variant of Uncertain Significance.

Literature cited by the submitters: PubMed 17576681; PubMed 9536098.